The following is an entry in ClinVar:

ClinVar aggregate classification (germline): Uncertain significance. Review status: criteria provided, multiple submitters, no conflicts (2 of 4 stars). 3 submissions from 3 submitters: Uncertain significance (3). Last evaluated 2024-09-01.

Allele frequency attached by ClinVar (database versions not stated): 1000 Genomes Project 30x 0.00016.
gnomAD v4.1: 14 of 1,614,134 alleles (0.00087%); highest among the groups gnomAD compares: East Asian, 0.029%; no homozygotes.

Submissions (3):

Ambry Genetics
Classification: Uncertain significance. Last evaluated: 2024-09-01. Review status: criteria provided, single submitter. Criteria: Ambry Variant Classification Scheme 2023. Collection method: clinical testing. Allele origin: germline.

Blueprint Genetics
Classification: Uncertain significance. Last evaluated: 2024-08-22. Review status: criteria provided, single submitter. Criteria: ACMG Guidelines, 2015. Collection method: clinical testing. Allele origin: germline.

Labcorp Genetics (formerly Invitae), Labcorp
Classification: Uncertain significance. Last evaluated: 2021-11-05. Review status: criteria provided, single submitter. Criteria: Invitae Variant Classification Sherloc (09022015). Collection method: clinical testing. Allele origin: germline.
Comment: This sequence change replaces arginine, which is basic and polar, with proline, which is neutral and non-polar, at codon 1697 of the CEP250 protein (p.Arg1697Pro). This variant is present in population databases (rs142095721, gnomAD 0.06%). This variant has not been reported in the literature in individuals affected with CEP250-related conditions. Algorithms developed to predict the effect of missense changes on protein structure and function are either unavailable or do not agree on the potential impact of this missense change (SIFT: "Not Available"; PolyPhen-2: "Possibly Damaging"; Align-GVGD: "Not Available"). In summary, the available evidence is currently insufficient to determine the role of this variant in disease. Therefore, it has been classified as a Variant of Uncertain Significance.

NM_007186.6(CEP250):c.5090G>C (p.Arg1697Pro)

Gene: CEP250 (centrosomal protein 250; plus strand). Cytogenetic location: 20q11.22.
Variant type: single nucleotide variant.
Coding change: c.5090G>C on transcript NM_007186.6 (MANE Select); coding-DNA position 5090, G replaced by C.
Protein change: p.Arg1697Pro; replaces arginine 1697 with proline.
Molecular consequence: missense variant.
Genome position (GRCh38, 1-based): chr20:35,503,459, G>C. VCF-style: chr20-35503459-G-C. GRCh37 (hg19) VCF-style: chr20-34091287-G-C.
Other names: c.5090G>C (NM_007186.3); c.3194G>C, p.Arg1065Pro (NM_001318219.1); short protein forms R1697P, R1065P.
Identifiers: ClinVar variation 1355961 (VCV001355961.6), dbSNP rs142095721, ClinGen allele CA9833819.